The following is an entry in ClinVar:

NM_173849.3(GSC):c.325C>G (p.Gln109Glu)

Gene: GSC (goosecoid homeobox; minus strand). Cytogenetic location: 14q32.13.
Variant type: single nucleotide variant.
Coding change: c.325C>G on transcript NM_173849.3 (MANE Select); coding-DNA position 325, C replaced by G.
Protein change: p.Gln109Glu; replaces glutamine 109 with glutamic acid.
Molecular consequence: missense variant.
Genome position (GRCh38, 1-based): chr14:94,769,691, G>C on the plus strand (C>G on the coding strand, the complement: GSC is on the minus strand). VCF-style: chr14-94769691-G-C. GRCh37 (hg19) VCF-style: chr14-95236028-G-C.
Other names: short protein forms Q109E.
Identifiers: ClinVar variation 1496957 (VCV001496957.6), dbSNP rs1407685841, ClinGen allele CA391148722.

ClinVar aggregate classification (germline): Uncertain significance (1 of 4 stars; one submission).

Submission:

Labcorp Genetics (formerly Invitae), Labcorp
Classification: Uncertain significance. Last evaluated: 2022-09-06. Review status: criteria provided, single submitter. Criteria: Invitae Variant Classification Sherloc (09022015). Collection method: clinical testing. Allele origin: germline.
Comment: This sequence change replaces glutamine, which is neutral and polar, with glutamic acid, which is acidic and polar, at codon 109 of the GSC protein (p.Gln109Glu). This variant is not present in population databases (gnomAD no frequency). This variant has not been reported in the literature in individuals affected with GSC-related conditions. ClinVar contains an entry for this variant (Variation ID: 1496957). Algorithms developed to predict the effect of missense changes on protein structure and function are either unavailable or do not agree on the potential impact of this missense change (SIFT: "Deleterious"; PolyPhen-2: "Benign"; Align-GVGD: "Class C0"). In summary, the available evidence is currently insufficient to determine the role of this variant in disease. Therefore, it has been classified as a Variant of Uncertain Significance.